The following is an entry in ClinVar:

NM_000156.6(GAMT):c.170C>T (p.Ala57Val)

Genes: GAMT (guanidinoacetate N-methyltransferase; minus strand), LOC130062945 (ATAC-STARR-seq lymphoblastoid silent region 9707; plus strand). Cytogenetic location: 19p13.3.
Variant type: single nucleotide variant.
Coding change: c.170C>T on transcript NM_000156.6 (MANE Select); coding-DNA position 170, C replaced by T.
Protein change: p.Ala57Val; replaces alanine 57 with valine.
Molecular consequence: missense variant.
Genome position (GRCh38, 1-based): chr19:1,401,307, G>A on the plus strand (C>T on the coding strand, the complement: GAMT is on the minus strand). VCF-style: chr19-1401307-G-A. GRCh37 (hg19) VCF-style: chr19-1401306-G-A.
Other names: c.170C>T, p.Ala57Val (NM_138924.3); short protein forms A57V.
Identifiers: ClinVar variation 835475 (VCV000835475.10), dbSNP rs2082632221, ClinGen allele CA402998001.

ClinVar aggregate classification (germline): Uncertain significance (1 of 4 stars; one submission).

Conditions:
Cerebral creatine deficiency syndrome. Also called: Creatine deficiency syndromes. Identifiers: Orphanet 79172, MedGen C5244016, MONDO:0000456.

Submission:

Labcorp Genetics (formerly Invitae), Labcorp
Classification: Uncertain significance for Cerebral creatine deficiency syndrome. Last evaluated: 2019-04-02. Review status: criteria provided, single submitter. Criteria: Invitae Variant Classification Sherloc (09022015). Collection method: clinical testing. Allele origin: germline.
Comment: Algorithms developed to predict the effect of missense changes on protein structure and function are either unavailable or do not agree on the potential impact of this missense change (SIFT: "Deleterious"; PolyPhen-2: "Possibly Damaging"; Align-GVGD: "Class C0"). In summary, the available evidence is currently insufficient to determine the role of this variant in disease. Therefore, it has been classified as a Variant of Uncertain Significance. This variant has not been reported in the literature in individuals with GAMT-related conditions. This variant is not present in population databases (ExAC no frequency). This sequence change replaces alanine with valine at codon 57 of the GAMT protein (p.Ala57Val). The alanine residue is moderately conserved and there is a small physicochemical difference between alanine and valine.